The following is an entry in ClinVar:

ClinVar aggregate classification (germline): Uncertain significance. Review status: criteria provided, multiple submitters, no conflicts (2 of 4 stars). 2 submissions from 2 submitters: Uncertain significance (2). Last evaluated 2019-12-18.

Conditions:
Meckel-Gruber syndrome. Also called: DYSENCEPHALIA SPLANCHNOCYSTICA; GRUBER SYNDROME; Dysencephalia splachnocystica. Identifiers: Orphanet 564, MedGen C0265215, MONDO:0018921.
Joubert syndrome. Also called: Familial aplasia of the vermis; JOUBERT-BOLTSHAUSER SYNDROME. Identifiers: Orphanet 475, MedGen C5979921, MONDO:0018772.

Allele frequency attached by ClinVar (database versions not stated): gnomAD exomes below 0.00001.
gnomAD v4.1: 1 of 1,614,066 alleles (0.000062%); highest among the groups gnomAD compares: South Asian, 0.0011%; no homozygotes.

Submissions (2):

Blueprint Genetics
Classification: Uncertain significance. Last evaluated: 2019-12-18. Review status: criteria provided, single submitter. Criteria: ACMG Guidelines, 2015. Collection method: clinical testing. Allele origin: germline.

Labcorp Genetics (formerly Invitae), Labcorp
Classification: Uncertain significance for Joubert syndrome; Meckel-Gruber syndrome. Last evaluated: 2019-09-10. Review status: criteria provided, single submitter. Criteria: Invitae Variant Classification Sherloc (09022015). Collection method: clinical testing. Allele origin: germline.
Comment: This sequence change replaces tyrosine with cysteine at codon 144 of the B9D1 protein (p.Tyr144Cys). The tyrosine residue is weakly conserved and there is a large physicochemical difference between tyrosine and cysteine. This variant is not present in population databases (ExAC no frequency). This variant has not been reported in the literature in individuals with B9D1-related conditions. Algorithms developed to predict the effect of missense changes on protein structure and function (SIFT, PolyPhen-2, Align-GVGD) all suggest that this variant is likely to be disruptive, but these predictions have not been confirmed by published functional studies and their clinical significance is uncertain. In summary, the available evidence is currently insufficient to determine the role of this variant in disease. Therefore, it has been classified as a Variant of Uncertain Significance.

NM_015681.6(B9D1):c.431A>G (p.Tyr144Cys)

Gene: B9D1 (B9 domain containing 1; minus strand). Cytogenetic location: 17p11.2.
Variant type: single nucleotide variant.
Coding change: c.431A>G on transcript NM_015681.6 (MANE Select); coding-DNA position 431, A replaced by G.
Protein change: p.Tyr144Cys; replaces tyrosine 144 with cysteine.
Molecular consequence: missense variant. On other transcripts: intron variant (1).
Genome position (GRCh38, 1-based): chr17:19,343,831, T>C on the plus strand (A>G on the coding strand, the complement: B9D1 is on the minus strand). VCF-style: chr17-19343831-T-C. GRCh37 (hg19) VCF-style: chr17-19247144-T-C.
Other names: c.431A>G, p.Tyr144Cys (NM_001321214.2, NM_001321215.3, NM_001321217.2 and 2 more transcripts); c.71A>G, p.Tyr24Cys (NM_001368769.2); c.404+3438A>G (NM_001321219.2); short protein forms Y24C, Y144C.
Identifiers: ClinVar variation 954335 (VCV000954335.2), dbSNP rs1908317419, ClinGen allele CA398694898.
Genomic context (GRCh38, chr17:19,343,831, plus strand): 5'-AGAGGGGAGGGAGCTTTACCTTCCCGGCCTTCACCCTGAGCCACCACCTTGGGGTCTGTG[T>C]ACTCGGGCCGCCGCCCCATGAACCAGCTGGGAACACAGAAGAACACAGGTGAGCAGGGCC-3'
Protein context (NP_056496.1, residues 134-154): TSWFMGRRPE[Tyr144Cys]TDPKVVAQGE